The following is an entry in ClinVar:

ClinVar aggregate classification (germline): Uncertain significance (1 of 4 stars; one submission).

Conditions:
Hereditary cancer-predisposing syndrome. Also called: Neoplastic Syndromes, Hereditary; Tumor predisposition; Hereditary Cancer Syndrome; Hereditary neoplastic syndrome. Identifiers: Orphanet 140162, MedGen C0027672, MeSH D009386, MONDO:0015356.

Submission:

Ambry Genetics
Classification: Uncertain significance for Hereditary cancer-predisposing syndrome. Last evaluated: 2025-07-22. Review status: criteria provided, single submitter. Criteria: Ambry Variant Classification Scheme 2023. Collection method: clinical testing. Allele origin: germline.
Comment: The p.K1920N variant (also known as c.5760G>C), located in coding exon 37 of the ATM gene, results from a G to C substitution at nucleotide position 5760. The lysine at codon 1920 is replaced by asparagine, an amino acid with similar properties. This amino acid position is conserved. In addition, this alteration is predicted to be tolerated by in silico analysis. Based on the available evidence, the clinical significance of this variant remains unclear.

NM_000051.4(ATM):c.5760G>C (p.Lys1920Asn)

Gene: ATM (ATM serine/threonine kinase; plus strand). Cytogenetic location: 11q22.3.
Variant type: single nucleotide variant.
Coding change: c.5760G>C on transcript NM_000051.4 (MANE Select); coding-DNA position 5760, G replaced by C.
Protein change: p.Lys1920Asn; replaces lysine 1920 with asparagine.
Molecular consequence: missense variant.
Genome position (GRCh38, 1-based): chr11:108,307,982, G>C. VCF-style: chr11-108307982-G-C. GRCh37 (hg19) VCF-style: chr11-108178709-G-C.
Other names: c.5760G>C, p.Lys1920Asn (NM_001351834.2); short protein forms K1920N.
Identifiers: ClinVar variation 4169543 (VCV004169543.1).